The following is an entry in ClinVar:

ClinVar aggregate classification (germline): Uncertain significance (1 of 4 stars; one submission).

Allele frequency attached by ClinVar (database versions not stated): gnomAD exomes below 0.00001.
gnomAD v4.1: 6 of 1,613,570 alleles (0.00037%); highest among the groups gnomAD compares: South Asian, 0.0011%; no homozygotes.

Submission:

GeneDx
Classification: Uncertain significance. Last evaluated: 2023-03-28. Review status: criteria provided, single submitter. Criteria: GeneDx Variant Classification Process June 2021. Collection method: clinical testing. Allele origin: germline. Affected: yes.
Comment: Not observed at significant frequency in large population cohorts (gnomAD); In silico analysis supports that this missense variant does not alter protein structure/function; Has not been previously published as pathogenic or benign to our knowledge

NM_000214.3(JAG1):c.1264G>A (p.Val422Ile)

Gene: JAG1 (jagged canonical Notch ligand 1; minus strand). Cytogenetic location: 20p12.2.
Variant type: single nucleotide variant.
Coding change: c.1264G>A on transcript NM_000214.3 (MANE Select); coding-DNA position 1264, G replaced by A.
Protein change: p.Val422Ile; replaces valine 422 with isoleucine.
Molecular consequence: missense variant.
Genome position (GRCh38, 1-based): chr20:10,649,606, C>T on the plus strand (G>A on the coding strand, the complement: JAG1 is on the minus strand). VCF-style: chr20-10649606-C-T. GRCh37 (hg19) VCF-style: chr20-10630254-C-T.
Other names: short protein forms V422I.
Identifiers: ClinVar variation 2663080 (VCV002663080.1), dbSNP rs763799026, ClinGen allele CA311347741.